The following is an entry in ClinVar:

NM_013382.7(POMT2):c.1243G>T (p.Glu415Ter)

Gene: POMT2 (protein O-mannosyltransferase 2; minus strand). Cytogenetic location: 14q24.3.
Variant type: single nucleotide variant.
Coding change: c.1243G>T on transcript NM_013382.7 (MANE Select); coding-DNA position 1243, G replaced by T.
Protein change: p.Glu415Ter; replaces glutamic acid 415 with a stop codon.
Molecular consequence: nonsense.
Genome position (GRCh38, 1-based): chr14:77,288,772, C>A on the plus strand (G>T on the coding strand, the complement: POMT2 is on the minus strand). VCF-style: chr14-77288772-C-A. GRCh37 (hg19) VCF-style: chr14-77755115-C-A.
Other names: short protein forms E415*.
Identifiers: ClinVar variation 2420326 (VCV002420326.5), dbSNP rs1280088838, ClinGen allele CA390518206.

ClinVar aggregate classification (germline): Pathogenic (1 of 4 stars; one submission).

Conditions:
Autosomal recessive limb-girdle muscular dystrophy type 2N. Also called: MUSCULAR DYSTROPHY-DYSTROGLYCANOPATHY, LIMB-GIRDLE, POMT2-RELATED; Muscular dystrophy-dystroglycanopathy (limb-girdle), type C, 2. Identifiers: Orphanet 206559, MedGen C3150418, MONDO:0013162, OMIM 613158.
Muscular dystrophy-dystroglycanopathy (congenital with brain and eye anomalies), type A2. Also called: MUSCULAR DYSTROPHY-DYSTROGLYCANOPATHY (CONGENITAL WITH BRAIN AND EYE ANOMALIES), TYPE A, 2; WALKER-WARBURG SYNDROME OR MUSCLE-EYE-BRAIN DISEASE, POMT2-RELATED. Identifiers: Orphanet 588, Orphanet 899, MedGen C3150411, MONDO:0013154, OMIM 613150.
Muscular dystrophy-dystroglycanopathy (congenital with impaired intellectual development), type B, 2. Also called: Muscular dystrophy-dystroglycanopathy (congenital with intellectual disability), type B2; MUSCULAR DYSTROPHY, CONGENITAL, POMT2-RELATED. Identifiers: MedGen C3150416, MONDO:0013160, OMIM 613156.

Allele frequency attached by ClinVar (database versions not stated): gnomAD exomes below 0.00001.
gnomAD v4.1: 1 of 1,613,786 alleles (0.000062%); highest among the groups gnomAD compares: Admixed American, 0.0017%; no homozygotes.

Submission:

Labcorp Genetics (formerly Invitae), Labcorp
Classification: Pathogenic for Muscular dystrophy-dystroglycanopathy (congenital with impaired intellectual development), type B, 2; Muscular dystrophy-dystroglycanopathy (congenital with brain and eye anomalies), type A2; Autosomal recessive limb-girdle muscular dystrophy type 2N. Last evaluated: 2023-09-26. Review status: criteria provided, single submitter. Criteria: Invitae Variant Classification Sherloc (09022015). Collection method: clinical testing. Allele origin: germline.
Comment: For these reasons, this variant has been classified as Pathogenic. ClinVar contains an entry for this variant (Variation ID: 2420326). This variant has not been reported in the literature in individuals affected with POMT2-related conditions. This variant is present in population databases (no rsID available, gnomAD 0.003%). This sequence change creates a premature translational stop signal (p.Glu415*) in the POMT2 gene. It is expected to result in an absent or disrupted protein product. Loss-of-function variants in POMT2 are known to be pathogenic (PMID: 15894594).

Literature cited by the submitters: PubMed 15894594.